The following is an entry in ClinVar:

ClinVar aggregate classification (germline): Likely benign. Review status: criteria provided, multiple submitters, no conflicts (2 of 4 stars). 2 submissions from 2 submitters: Likely benign (2). Last evaluated 2022-09-01.

Conditions:
Landau-Kleffner syndrome (FESD). Also called: EPILEPSY, FOCAL, WITH SPEECH DISORDER AND WITH OR WITHOUT MENTAL RETARDATION; APHASIA, ACQUIRED, WITH EPILEPSY. Identifiers: Orphanet 1945, Orphanet 725, Orphanet 98818, MedGen C0282512, MONDO:0009509, OMIM 245570.

Allele frequency attached by ClinVar (database versions not stated): TOPMed 0.00003.
gnomAD v4.1: 1 of 1,612,146 alleles (0.000062%); highest among the groups gnomAD compares: Non-Finnish European, 0.000085%; no homozygotes.

Submissions (2):

Labcorp Genetics (formerly Invitae), Labcorp
Classification: Likely benign for Landau-Kleffner syndrome. Last evaluated: 2022-09-01. Review status: criteria provided, single submitter. Criteria: Invitae Variant Classification Sherloc (09022015). Collection method: clinical testing. Allele origin: germline.

GeneDx
Classification: Likely benign. Last evaluated: 2017-10-24. Review status: criteria provided, single submitter. Criteria: GeneDx Variant Classification (06012015). Collection method: clinical testing. Allele origin: germline. Affected: yes.
Comment: This variant is considered likely benign or benign based on one or more of the following criteria: it is a conservative change, it occurs at a poorly conserved position in the protein, it is predicted to be benign by multiple in silico algorithms, and/or has population frequency not consistent with disease.

NM_001134407.3(GRIN2A):c.2356+6A>T

Gene: GRIN2A (glutamate ionotropic receptor NMDA type subunit 2A; minus strand). Cytogenetic location: 16p13.2.
Variant type: single nucleotide variant.
Coding change: c.2356+6A>T on transcript NM_001134407.3 (MANE Select); 6 bases into the intron after coding-DNA position 2356, A replaced by T.
Molecular consequence: intron variant.
Genome position (GRCh38, 1-based): chr16:9,798,271, T>A on the plus strand (A>T on the coding strand, the complement: GRIN2A is on the minus strand). VCF-style: chr16-9798271-T-A. GRCh37 (hg19) VCF-style: chr16-9892128-T-A.
Other names: c.2356+6A>T (NM_001134408.2, NM_000833.5).
Identifiers: ClinVar variation 512753 (VCV000512753.10), dbSNP rs1030132899, ClinGen allele CA278175993.